The following is an entry in ClinVar:

NM_001283009.2(RTEL1):c.958A>G (p.Met320Val)

Genes: RTEL1 (regulator of telomere elongation helicase 1; plus strand), RTEL1-TNFRSF6B (RTEL1-TNFRSF6B readthrough (NMD candidate); plus strand). Cytogenetic location: 20q13.33.
Variant type: single nucleotide variant.
Coding change: c.958A>G on transcript NM_001283009.2 (MANE Select); coding-DNA position 958, A replaced by G.
Protein change: p.Met320Val; replaces methionine 320 with valine.
Molecular consequence: missense variant. On other transcripts: non-coding transcript variant (1).
Genome position (GRCh38, 1-based): chr20:63,678,183, A>G. VCF-style: chr20-63678183-A-G. GRCh37 (hg19) VCF-style: chr20-62309536-A-G.
Other names: c.289A>G, p.Met97Val (NM_001283010.1); c.958A>G, p.Met320Val (NM_016434.4); c.1030A>G, p.Met344Val (NM_032957.5); short protein forms M320V, M344V, M97V.
Identifiers: ClinVar variation 2413392 (VCV002413392.9), dbSNP rs747035569, ClinGen allele CA9964518.

ClinVar aggregate classification (germline): Uncertain significance (1 of 4 stars; one submission).

Conditions:
Dyskeratosis congenita, autosomal recessive 5 (DKCB5). Identifiers: MedGen C3554656, MONDO:0014076, OMIM 615190.
Pulmonary fibrosis and/or bone marrow failure, Telomere-related, 3. Also called: PULMONARY FIBROSIS AND/OR BONE MARROW FAILURE SYNDROME, TELOMERE-RELATED, 3. Identifiers: Orphanet 2032, MedGen C4225346, MONDO:0014613, OMIM 616373.

Allele frequency attached by ClinVar (database versions not stated): TOPMed below 0.00001; ExAC 0.00001; gnomAD exomes 0.00002.

Submission:

Labcorp Genetics (formerly Invitae), Labcorp
Classification: Uncertain significance for Dyskeratosis congenita, autosomal recessive 5; Pulmonary fibrosis and/or bone marrow failure, Telomere-related, 3. Last evaluated: 2024-03-12. Review status: criteria provided, single submitter. Criteria: Invitae Variant Classification Sherloc (09022015). Collection method: clinical testing. Allele origin: germline.
Comment: This sequence change replaces methionine, which is neutral and non-polar, with valine, which is neutral and non-polar, at codon 320 of the RTEL1 protein (p.Met320Val). This variant is present in population databases (rs747035569, gnomAD 0.002%). This variant has not been reported in the literature in individuals affected with RTEL1-related conditions. ClinVar contains an entry for this variant (Variation ID: 2413392). An algorithm developed to predict the effect of missense changes on protein structure and function (PolyPhen-2) suggests that this variant is likely to be tolerated. In summary, the available evidence is currently insufficient to determine the role of this variant in disease. Therefore, it has been classified as a Variant of Uncertain Significance.